The following is an entry in ClinVar:

NM_000077.5(CDKN2A):c.205G>A (p.Glu69Lys)

Gene: CDKN2A (cyclin dependent kinase inhibitor 2A; minus strand). Cytogenetic location: 9p21.3.
Variant type: single nucleotide variant.
Coding change: c.205G>A on transcript NM_000077.5; coding-DNA position 205, G replaced by A.
Protein change: p.Glu69Lys; replaces glutamic acid 69 with lysine.
Molecular consequence: missense variant (on NM_001195132.2). On other transcripts: 3 prime UTR variant (1).
Genome position (GRCh38, 1-based): chr9:21,971,154, C>T on the plus strand (G>A on the coding strand, the complement: CDKN2A is on the minus strand). VCF-style: chr9-21971154-C-T. GRCh37 (hg19) VCF-style: chr9-21971153-C-T.
Other names: c.205G>A, p.Glu69Lys (NM_001195132.2, NM_000077.6); c.52G>A, p.Glu18Lys (NM_001363763.2); c.248G>A, p.Gly83Glu (NM_058195.4); c.*128G>A (NM_058197.5); short protein forms E18K, G83E, E69K.
Identifiers: ClinVar variation 966903 (VCV000966903.9), dbSNP rs121913383, ClinGen allele CA373086335.

ClinVar aggregate classification (germline): Uncertain significance (1 of 4 stars; one submission).

Conditions:
Familial melanoma. Also called: Hereditary melanoma; Hereditary cutaneous melanoma. Identifiers: Orphanet 618, MedGen C1512419, MONDO:0018961.

Submission:

Labcorp Genetics (formerly Invitae), Labcorp
Classification: Uncertain significance for Familial melanoma. Last evaluated: 2022-12-08. Review status: criteria provided, single submitter. Criteria: Invitae Variant Classification Sherloc (09022015). Collection method: clinical testing. Allele origin: germline.
Comment: This variant is also known as c.248G>A (p.Gly83Glu) in the CDKN2A (p14ARF) transcript. In summary, the available evidence is currently insufficient to determine the role of this variant in disease. Therefore, it has been classified as a Variant of Uncertain Significance. Algorithms developed to predict the effect of missense changes on protein structure and function are either unavailable or do not agree on the potential impact of this missense change (SIFT: "Deleterious"; PolyPhen-2: "Benign"; Align-GVGD: "Class C15"). ClinVar contains an entry for this variant (Variation ID: 966903). This variant has not been reported in the literature in individuals affected with CDKN2A (p16INK4a)-related conditions. This variant is not present in population databases (gnomAD no frequency). This sequence change replaces glutamic acid, which is acidic and polar, with lysine, which is basic and polar, at codon 69 of the CDKN2A (p16INK4a) protein (p.Glu69Lys). The CDKN2A gene encodes two different proteins, p16INK4a and p14ARF, which are translated from alternative transcripts with different open reading frames. Both transcripts have been analyzed. We report either the variant with the higher classification or default to the CDKN2A (p16INK4a) variant. This report therefore includes the details for the CDKN2A (p16INK4a) variant.